The following is an entry in ClinVar:

ClinVar aggregate classification (germline): Uncertain significance (1 of 4 stars; one submission).

Conditions:
Hypertrophic cardiomyopathy 26. Also called: Cardiomyopathy, familial hypertrophic, 26. Identifiers: Orphanet 75249, MedGen C4310749, MONDO:0014883, OMIM 617047.
Distal myopathy with posterior leg and anterior hand involvement. Also called: WILLIAMS DISTAL MYOPATHY. Identifiers: Orphanet 63273, MedGen C3279722, MONDO:0013550, OMIM 614065.
Myofibrillar myopathy 5. Also called: Filaminopathy (type); FILAMINOPATHY, AUTOSOMAL DOMINANT. Identifiers: Orphanet 171445, MedGen C1836050, MONDO:0012289, OMIM 609524.

Submission:

Labcorp Genetics (formerly Invitae), Labcorp
Classification: Uncertain significance for Distal myopathy with posterior leg and anterior hand involvement; Myofibrillar myopathy 5; Hypertrophic cardiomyopathy 26. Last evaluated: 2022-10-20. Review status: criteria provided, single submitter. Criteria: Invitae Variant Classification Sherloc (09022015). Collection method: clinical testing. Allele origin: germline.
Comment: In summary, the available evidence is currently insufficient to determine the role of this variant in disease. Therefore, it has been classified as a Variant of Uncertain Significance. Advanced modeling of protein sequence and biophysical properties (such as structural, functional, and spatial information, amino acid conservation, physicochemical variation, residue mobility, and thermodynamic stability) has been performed at Invitae for this missense variant, however the output from this modeling did not meet the statistical confidence thresholds required to predict the impact of this variant on FLNC protein function. This variant has not been reported in the literature in individuals affected with FLNC-related conditions. This variant is not present in population databases (gnomAD no frequency). This sequence change replaces isoleucine, which is neutral and non-polar, with asparagine, which is neutral and polar, at codon 130 of the FLNC protein (p.Ile130Asn).

NM_001458.5(FLNC):c.389T>A (p.Ile130Asn)

Gene: FLNC (filamin C; plus strand). Cytogenetic location: 7q32.1.
Variant type: single nucleotide variant.
Coding change: c.389T>A on transcript NM_001458.5 (MANE Select); coding-DNA position 389, T replaced by A.
Protein change: p.Ile130Asn; replaces isoleucine 130 with asparagine.
Molecular consequence: missense variant.
Genome position (GRCh38, 1-based): chr7:128,835,362, T>A. VCF-style: chr7-128835362-T-A. GRCh37 (hg19) VCF-style: chr7-128475416-T-A.
Other names: c.389T>A, p.Ile130Asn (NM_001127487.2); short protein forms I130N.
Identifiers: ClinVar variation 1721961 (VCV001721961.6), dbSNP rs2536614465, ClinGen allele CA369218735.